The following is an entry in ClinVar:

ClinVar aggregate classification (germline): Uncertain significance. Review status: criteria provided, multiple submitters, no conflicts (2 of 4 stars). 3 submissions from 3 submitters: Uncertain significance (3). Last evaluated 2024-12-04.

Conditions:
Cardiovascular phenotype. Identifiers: MedGen CN230736.
Long QT syndrome (LQTS). Identifiers: MedGen C0023976, MeSH D008133, MONDO:0002442. Disease mechanism: loss of function. Inheritance: Various modes of inheritance.

Allele frequency attached by ClinVar (database versions not stated): TOPMed 0.00002; gnomAD 0.00004.
gnomAD v4.1: 7 of 1,613,818 alleles (0.00043%); highest among the groups gnomAD compares: African/African-American, 0.008%; no homozygotes.

Submissions (3):

GeneDx
Classification: Uncertain significance. Last evaluated: 2024-12-04. Review status: criteria provided, single submitter. Criteria: GeneDx Variant Classification Process June 2021. Collection method: clinical testing. Allele origin: germline. Affected: yes.
Comment: Not observed at significant frequency in large population cohorts (gnomAD); In silico analysis indicates that this missense variant does not alter protein structure/function; Has not been previously published as pathogenic or benign to our knowledge

Ambry Genetics
Classification: Uncertain significance for Cardiovascular phenotype. Last evaluated: 2024-11-03. Review status: criteria provided, single submitter. Criteria: Ambry Variant Classification Scheme 2023. Collection method: clinical testing. Allele origin: germline.
Comment: The p.L1728F variant (also known as c.5182C>T), located in coding exon 38 of the ANK2 gene, results from a C to T substitution at nucleotide position 5182. The leucine at codon 1728 is replaced by phenylalanine, an amino acid with highly similar properties. This amino acid position is conserved. In addition, this alteration is predicted to be tolerated by in silico analysis. Based on the available evidence, the clinical significance of this variant remains unclear.

Labcorp Genetics (formerly Invitae), Labcorp
Classification: Uncertain significance for Long QT syndrome. Last evaluated: 2022-11-12. Review status: criteria provided, single submitter. Criteria: Invitae Variant Classification Sherloc (09022015). Collection method: clinical testing. Allele origin: germline.
Comment: This sequence change replaces leucine, which is neutral and non-polar, with phenylalanine, which is neutral and non-polar, at codon 1728 of the ANK2 protein (p.Leu1728Phe). This variant is present in population databases (no rsID available, gnomAD 0.01%). This variant has not been reported in the literature in individuals affected with ANK2-related conditions. Algorithms developed to predict the effect of missense changes on protein structure and function output the following: SIFT: "Tolerated"; PolyPhen-2: "Benign"; Align-GVGD: "Class C0". The phenylalanine amino acid residue is found in multiple mammalian species, which suggests that this missense change does not adversely affect protein function. In summary, the available evidence is currently insufficient to determine the role of this variant in disease. Therefore, it has been classified as a Variant of Uncertain Significance.

NM_001148.6(ANK2):c.5182C>T (p.Leu1728Phe)

Genes: ANK2 (ankyrin 2; plus strand), LOC126807136 (MED14-independent group 3 enhancer GRCh37_chr4:114274931-114276130; plus strand). Cytogenetic location: 4q26.
Variant type: single nucleotide variant.
Coding change: c.5182C>T on transcript NM_001148.6 (MANE Select); coding-DNA position 5182, C replaced by T.
Protein change: p.Leu1728Phe; replaces leucine 1728 with phenylalanine.
Molecular consequence: missense variant. On other transcripts: intron variant (68).
Genome position (GRCh38, 1-based): chr4:113,353,800, C>T. VCF-style: chr4-113353800-C-T. GRCh37 (hg19) VCF-style: chr4-114274956-C-T.
Other names: c.4948C>T, p.Leu1650Phe (NM_001386142.1); c.1582C>T, p.Leu528Phe (NM_001386166.1); c.5323C>T, p.Leu1775Phe (NM_001386174.1); c.5299C>T, p.Leu1767Phe (NM_001386175.1); c.4411+3551C>T (NM_001386186.2, NM_001386148.2); c.4213+3551C>T (NM_001354269.3); c.4291+3551C>T (NM_001386187.2); c.4252+3551C>T (NM_001386147.1); and 35 more; short protein forms L1775F, L528F, L1650F, L1767F, L1728F.
Identifiers: ClinVar variation 2918933 (VCV002918933.5), dbSNP rs1396790291, ClinGen allele CA357918302.